The following is an entry in ClinVar:

NM_031935.3(HMCN1):c.3970G>T (p.Val1324Phe)

Gene: HMCN1 (hemicentin 1; plus strand). Cytogenetic location: 1q31.1.
Variant type: single nucleotide variant.
Coding change: c.3970G>T on transcript NM_031935.3 (MANE Select); coding-DNA position 3970, G replaced by T.
Protein change: p.Val1324Phe; replaces valine 1324 with phenylalanine.
Molecular consequence: missense variant.
Genome position (GRCh38, 1-based): chr1:186,000,140, G>T. VCF-style: chr1-186000140-G-T. GRCh37 (hg19) VCF-style: chr1-185969272-G-T.
Other names: short protein forms V1324F.
Identifiers: ClinVar variation 2080828 (VCV002080828.4), dbSNP rs780183230, ClinGen allele CA343874636.

ClinVar aggregate classification (germline): Uncertain significance (1 of 4 stars; one submission).

Submission:

Labcorp Genetics (formerly Invitae), Labcorp
Classification: Uncertain significance. Last evaluated: 2023-10-03. Review status: criteria provided, single submitter. Criteria: Invitae Variant Classification Sherloc (09022015). Collection method: clinical testing. Allele origin: germline.
Comment: This sequence change replaces valine, which is neutral and non-polar, with phenylalanine, which is neutral and non-polar, at codon 1324 of the HMCN1 protein (p.Val1324Phe). This variant is not present in population databases (gnomAD no frequency). This variant has not been reported in the literature in individuals affected with HMCN1-related conditions. ClinVar contains an entry for this variant (Variation ID: 2080828). An algorithm developed to predict the effect of missense changes on protein structure and function (PolyPhen-2) suggests that this variant is likely to be disruptive. In summary, the available evidence is currently insufficient to determine the role of this variant in disease. Therefore, it has been classified as a Variant of Uncertain Significance.